The following is an entry in ClinVar:

ClinVar aggregate classification (germline): Uncertain significance. Review status: criteria provided, multiple submitters, no conflicts (2 of 4 stars). 2 submissions from 2 submitters: Uncertain significance (2). Last evaluated 2024-03-06.

Conditions:
Cardiomyopathy (CMYO). Also called: Cardiomyopathies. Identifiers: Orphanet 167848, MedGen C0878544, MONDO:0004994, HP:0001638. Inheritance: Various modes of inheritance.
Hypertrophic cardiomyopathy. Also called: HYPERTROPHIC MYOCARDIOPATHY. Identifiers: Orphanet 217569, MedGen C0007194, MeSH D002312, MONDO:0005045, HP:0001639.

Submissions (2):

Color Diagnostics, LLC DBA Color Health
Classification: Uncertain significance for Cardiomyopathy. Last evaluated: 2024-03-06. Review status: criteria provided, single submitter. Criteria: ACMG Guidelines, 2015. Collection method: clinical testing. Allele origin: germline.
Comment: This missense variant replaces isoleucine with methionine at codon 336 of the MYBPC3 protein. Computational prediction suggests that this variant may not impact protein structure and function (internally defined REVEL score threshold <= 0.5, PMID: 27666373). To our knowledge, functional studies have not been reported for this variant. This variant has not been reported in individuals affected with cardiovascular disorders in the literature. This variant has not been identified in the general population by the Genome Aggregation Database (gnomAD). The available evidence is insufficient to determine the role of this variant in disease conclusively. Therefore, this variant is classified as a Variant of Uncertain Significance.

All of Us Research Program, National Institutes of Health
Classification: Uncertain significance for Hypertrophic cardiomyopathy. Last evaluated: 2024-03-05. Review status: criteria provided, single submitter. Criteria: ACMG Guidelines, 2015. Collection method: clinical testing. Allele origin: germline. Inheritance: Autosomal dominant inheritance. Observed: 1 variant allele, 1 heterozygote.
Comment: This missense variant replaces isoleucine with methionine at codon 336 of the MYBPC3 protein. Computational prediction suggests that this variant may not impact protein structure and function (internally defined REVEL score threshold <= 0.5, PMID: 27666373). To our knowledge, functional studies have not been reported for this variant. This variant has not been reported in individuals affected with cardiovascular disorders in the literature. This variant has not been identified in the general population by the Genome Aggregation Database (gnomAD). The available evidence is insufficient to determine the role of this variant in disease conclusively. Therefore, this variant is classified as a Variant of Uncertain Significance.

This study involves interpretation of variants in research participants for the purpose of population health screening. Participant phenotype was not available at the time of variant classification. Additional details can be found in publication PMID: 35346344, PMCID: PMC8962531

NM_000256.3(MYBPC3):c.1008C>G (p.Ile336Met)

Gene: MYBPC3 (myosin binding protein C3; minus strand). Cytogenetic location: 11p11.2.
Variant type: single nucleotide variant.
Coding change: c.1008C>G on transcript NM_000256.3 (MANE Select); coding-DNA position 1008, C replaced by G.
Protein change: p.Ile336Met; replaces isoleucine 336 with methionine.
Molecular consequence: missense variant.
Genome position (GRCh38, 1-based): chr11:47,346,289, G>C on the plus strand (C>G on the coding strand, the complement: MYBPC3 is on the minus strand). VCF-style: chr11-47346289-G-C. GRCh37 (hg19) VCF-style: chr11-47367840-G-C.
Other names: short protein forms I336M.
Identifiers: ClinVar variation 1172450 (VCV001172450.4), dbSNP rs397515880, ClinGen allele CA380331441.